The following is an entry in ClinVar:

ClinVar aggregate classification (germline): Uncertain significance (1 of 4 stars; one submission).

gnomAD v4.1: 6 of 1,581,768 alleles (0.00038%); highest among the groups gnomAD compares: Non-Finnish European, 0.00051%; no homozygotes.

Submission:

Labcorp Genetics (formerly Invitae), Labcorp
Classification: Uncertain significance. Last evaluated: 2024-08-15. Review status: criteria provided, single submitter. Criteria: Invitae Variant Classification Sherloc (09022015). Collection method: clinical testing. Allele origin: germline.
Comment: This sequence change replaces serine, which is neutral and polar, with phenylalanine, which is neutral and non-polar, at codon 4132 of the ANK3 protein (p.Ser4132Phe). This variant is not present in population databases (gnomAD no frequency). This variant has not been reported in the literature in individuals affected with ANK3-related conditions. Invitae Evidence Modeling of protein sequence and biophysical properties (such as structural, functional, and spatial information, amino acid conservation, physicochemical variation, residue mobility, and thermodynamic stability) has been performed for this missense variant. However, the output from this modeling did not meet the statistical confidence thresholds required to predict the impact of this variant on ANK3 protein function. In summary, the available evidence is currently insufficient to determine the role of this variant in disease. Therefore, it has been classified as a Variant of Uncertain Significance.

NM_020987.5(ANK3):c.12395C>T (p.Ser4132Phe)

Gene: ANK3 (ankyrin 3; minus strand). Cytogenetic location: 10q21.2.
Variant type: single nucleotide variant.
Coding change: c.12395C>T on transcript NM_020987.5 (MANE Select); coding-DNA position 12395, C replaced by T.
Protein change: p.Ser4132Phe; replaces serine 4132 with phenylalanine.
Molecular consequence: missense variant.
Genome position (GRCh38, 1-based): chr10:60,064,213, G>A on the plus strand (C>T on the coding strand, the complement: ANK3 is on the minus strand). VCF-style: chr10-60064213-G-A. GRCh37 (hg19) VCF-style: chr10-61823971-G-A.
Other names: c.1958C>T, p.Ser653Phe (NM_001149.4); c.4538C>T, p.Ser1513Phe (NM_001204403.2); c.4559C>T, p.Ser1520Phe (NM_001204404.2); c.4556C>T, p.Ser1519Phe (NM_001320874.2); short protein forms S1513F, S1519F, S1520F, S4132F, S653F.
Identifiers: ClinVar variation 3610029 (VCV003610029.2).